The following is an entry in ClinVar:

ClinVar aggregate classification (germline): Uncertain significance. Review status: criteria provided, multiple submitters, no conflicts (2 of 4 stars). 2 submissions from 2 submitters: Uncertain significance (2). Last evaluated 2024-12-20.

Conditions:
Inborn genetic diseases. Identifiers: MedGen C0950123, MeSH D030342.

gnomAD v4.1: 5 of 1,613,930 alleles (0.00031%); highest among the groups gnomAD compares: Non-Finnish European, 0.00042%; no homozygotes.

Submissions (2):

Ambry Genetics
Classification: Uncertain significance for Inborn genetic diseases. Last evaluated: 2024-12-20. Review status: criteria provided, single submitter. Criteria: Ambry Variant Classification Scheme 2023. Collection method: clinical testing. Allele origin: germline.

GeneDx
Classification: Uncertain significance. Last evaluated: 2023-06-27. Review status: criteria provided, single submitter. Criteria: GeneDx Variant Classification Process June 2021. Collection method: clinical testing. Allele origin: germline. Affected: yes.
Comment: Not observed at significant frequency in large population cohorts (gnomAD); In silico analysis supports that this missense variant does not alter protein structure/function; Has not been previously published as pathogenic or benign to our knowledge

NM_174916.3(UBR1):c.92A>G (p.Gln31Arg)

Gene: UBR1 (ubiquitin protein ligase E3 component n-recognin 1; minus strand). Cytogenetic location: 15q15.2.
Variant type: single nucleotide variant.
Coding change: c.92A>G on transcript NM_174916.3 (MANE Select); coding-DNA position 92, A replaced by G.
Protein change: p.Gln31Arg; replaces glutamine 31 with arginine.
Molecular consequence: missense variant.
Genome position (GRCh38, 1-based): chr15:43,086,230, T>C on the plus strand (A>G on the coding strand, the complement: UBR1 is on the minus strand). VCF-style: chr15-43086230-T-C. GRCh37 (hg19) VCF-style: chr15-43378428-T-C.
Other names: short protein forms Q31R.
Identifiers: ClinVar variation 3360590 (VCV003360590.2).
Genomic context (GRCh38, chr15:43,086,230, plus strand): 5'-TAAATTTCTGGCACCAATTGTGCCAAATGATGCAAGAAAGCAGTATAAAAATCAACTTGC[T>C]GATCCCACCACTAAAAGAAAAGAAGATGAAAATTAGACTGACTTACAAGTTCCTTCTTAA-3'
Protein context (NP_777576.1, residues 21-41): TPQRLASWWD[Gln31Arg]QVDFYTAFLH